The following is an entry in ClinVar:

ClinVar aggregate classification (germline): Uncertain significance (1 of 4 stars; one submission).

Conditions:
Neuropathy, hereditary sensory and autonomic, type 2A (HSAN2A). Also called: ACROOSTEOLYSIS, GIACCAI TYPE; ACROOSTEOLYSIS, NEUROGENIC; MORVAN DISEASE; NEUROPATHY, CONGENITAL SENSORY; NEUROPATHY, HEREDITARY SENSORY RADICULAR, AUTOSOMAL RECESSIVE; NEUROPATHY, HEREDITARY SENSORY, TYPE IIA. Identifiers: Orphanet 970, MedGen C2752089, MONDO:0024309, OMIM 201300.
Generalized epilepsy with febrile seizures plus, type 7 (GEFSP7). Also called: GEFS+, TYPE 7. Identifiers: Orphanet 36387, MedGen C2751778, MONDO:0013470, OMIM 613863.

Submission:

Labcorp Genetics (formerly Invitae), Labcorp
Classification: Uncertain significance for Neuropathy, hereditary sensory and autonomic, type 2A; Generalized epilepsy with febrile seizures plus, type 7. Last evaluated: 2025-04-30. Review status: criteria provided, single submitter. Criteria: Invitae Variant Classification Sherloc (09022015). Collection method: clinical testing. Allele origin: germline.
Comment: This sequence change replaces histidine, which is basic and polar, with arginine, which is basic and polar, at codon 898 of the SCN9A protein (p.His898Arg). This variant is not present in population databases (gnomAD no frequency). This variant has not been reported in the literature in individuals affected with SCN9A-related conditions. Invitae Evidence Modeling of protein sequence and biophysical properties (such as structural, functional, and spatial information, amino acid conservation, physicochemical variation, residue mobility, and thermodynamic stability) has been performed for this missense variant. However, the output from this modeling did not meet the statistical confidence thresholds required to predict the impact of this variant on SCN9A protein function. In summary, the available evidence is currently insufficient to determine the role of this variant in disease. Therefore, it has been classified as a Variant of Uncertain Significance.

NM_001365536.1(SCN9A):c.2726A>G (p.His909Arg)

Genes: SCN1A-AS1 (SCN1A and SCN9A antisense RNA 1; plus strand), SCN9A (sodium voltage-gated channel alpha subunit 9; minus strand). Cytogenetic location: 2q24.3.
Variant type: single nucleotide variant.
Coding change: c.2726A>G on transcript NM_001365536.1 (MANE Select); coding-DNA position 2726, A replaced by G.
Protein change: p.His909Arg; replaces histidine 909 with arginine.
Molecular consequence: missense variant. On other transcripts: non-coding transcript variant (1).
Genome position (GRCh38, 1-based): chr2:166,277,131, T>C on the plus strand (A>G on the coding strand, the complement: SCN9A is on the minus strand). VCF-style: chr2-166277131-T-C. GRCh37 (hg19) VCF-style: chr2-167133641-T-C.
Other names: c.2693A>G, p.His898Arg (NM_002977.4); short protein forms H909R, H898R.
Identifiers: ClinVar variation 4790247 (VCV004790247.1).